The following is an entry in ClinVar:

NM_000316.3(PTH1R):c.1211G>A (p.Arg404Gln)

Gene: PTH1R (parathyroid hormone 1 receptor; plus strand). Cytogenetic location: 3p21.31.
Variant type: single nucleotide variant.
Coding change: c.1211G>A on transcript NM_000316.3 (MANE Select); coding-DNA position 1211, G replaced by A.
Protein change: p.Arg404Gln; replaces arginine 404 with glutamine.
Molecular consequence: missense variant.
Genome position (GRCh38, 1-based): chr3:46,901,860, G>A. VCF-style: chr3-46901860-G-A. GRCh37 (hg19) VCF-style: chr3-46943350-G-A.
Other names: c.1211G>A, p.Arg404Gln (NM_001184744.1); short protein forms R404Q.
Identifiers: ClinVar variation 2583011 (VCV002583011.27), dbSNP rs200410967, ClinGen allele CA2359444.
Genomic context (GRCh38, chr3:46,901,860, plus strand): 5'-TGCTCGCCACCAAGCTGCGGGAGACCAACGCCGGCCGGTGTGACACACGGCAGCAGTACC[G>A]GTGAGCCCACCATGCCTGCCATGCCCTGGCTCCTCAGGGGTCCCTGAGTCCTGGTACCAT-3'
Protein context (NP_000307.1, residues 394-414): AGRCDTRQQY[Arg404Gln]KLLKSTLVLM

ClinVar aggregate classification (germline): Uncertain significance. Review status: criteria provided, multiple submitters, no conflicts (2 of 4 stars). 3 submissions from 3 submitters: Uncertain significance (3). Last evaluated 2024-04-01.

Conditions:
Chondrodysplasia Blomstrand type (BOCD). Identifiers: Orphanet 50945, MedGen C1859148, MONDO:0008970, OMIM 215045.
Primary failure of tooth eruption. Also called: DENTAL NONERUPTION; PRIMARY RETENTION OF TEETH; UNERUPTED SECOND PRIMARY MOLAR; POSTERIOR OPENBITE MALOCCLUSION, FAMILIAL. Identifiers: Orphanet 412206, MedGen C1852222, MONDO:0007434, OMIM 125350.
Eiken syndrome (EKNS). Also called: BONE MODELING DEFECT OF HANDS AND FEET. Identifiers: Orphanet 79106, MedGen C1838779, MONDO:0010803, OMIM 600002.
Metaphyseal chondrodysplasia, Jansen type. Also called: Metaphyseal chondrodysplasia Murk Jansen type; PTH1R-Related Jansen Metaphyseal Chondrodysplasia. Identifiers: Orphanet 33067, MedGen C0265295, MONDO:0007982, OMIM 156400.

Allele frequency attached by ClinVar (database versions not stated): gnomAD 0.00001; gnomAD exomes 0.00002; TOPMed 0.00002; ExAC 0.00003.
gnomAD v4.1: 31 of 1,612,956 alleles (0.0019%); highest among the groups gnomAD compares: South Asian, 0.0099%; no homozygotes.

Submissions (3):

Fulgent Genetics
Classification: Uncertain significance for Primary failure of tooth eruption; Metaphyseal chondrodysplasia, Jansen type; Chondrodysplasia Blomstrand type; Eiken syndrome. Last evaluated: 2024-04-01. Review status: criteria provided, single submitter. Criteria: ACMG Guidelines, 2015. Collection method: clinical testing. Allele origin: germline.

CeGaT Center for Human Genetics Tuebingen
Classification: Uncertain significance. Last evaluated: 2023-09-01. Review status: criteria provided, single submitter. Criteria: CeGaT Center For Human Genetics Tuebingen Variant Classification Criteria Version 2. Collection method: clinical testing. Allele origin: germline. Affected: yes. Observed: 1 variant allele.
Comment: PTH1R: PM2

Blueprint Genetics
Classification: Uncertain significance. Last evaluated: 2020-06-18. Review status: criteria provided, single submitter. Criteria: ACMG Guidelines, 2015. Collection method: clinical testing. Allele origin: germline.